The following is an entry in ClinVar:

NM_030665.4(RAI1):c.2761T>C (p.Ser921Pro)

Gene: RAI1 (retinoic acid induced 1; plus strand). Cytogenetic location: 17p11.2.
Variant type: single nucleotide variant.
Coding change: c.2761T>C on transcript NM_030665.4 (MANE Select); coding-DNA position 2761, T replaced by C.
Protein change: p.Ser921Pro; replaces serine 921 with proline.
Molecular consequence: missense variant.
Genome position (GRCh38, 1-based): chr17:17,795,709, T>C. VCF-style: chr17-17795709-T-C. GRCh37 (hg19) VCF-style: chr17-17699023-T-C.
Other names: short protein forms S921P.
Identifiers: ClinVar variation 4989409 (VCV004989409.1).

ClinVar aggregate classification (germline): Uncertain significance (1 of 4 stars; one submission).

Conditions:
RAI1-related disorder. Also called: RAI1-related condition.

gnomAD v4.1: 1 of 1,613,214 alleles (0.000062%); highest among the groups gnomAD compares: African/African-American, 0.0013%; no homozygotes.

Submission:

PreventionGenetics, part of Exact Sciences
Classification: Uncertain significance for RAI1-related condition. Last evaluated: 2025-08-22. Review status: criteria provided, single submitter. Criteria: ACMG Guidelines, 2015. Collection method: clinical testing. Allele origin: germline.
Comment: The RAI1 c.2761T>C variant is predicted to result in the amino acid substitution p.Ser921Pro. To our knowledge, this variant has not been reported in the literature or in a large population database (gnomAD), indicating this variant is rare. At this time, the clinical significance of this variant is uncertain due to the absence of conclusive functional and genetic evidence.